The following is an entry in ClinVar:

ClinVar aggregate classification (germline): Pathogenic (1 of 4 stars; one submission).

Conditions:
Hereditary breast ovarian cancer syndrome. Also called: BRCA1- and BRCA2-Associated Hereditary Breast and Ovarian Cancer; Hereditary breast and ovarian cancer; Hereditary breast and ovarian cancer syndrome; Hereditary breast and/or ovarian cancer syndrome; Hereditary breast and ovarian cancer syndrome (HBOC); Breast and ovarian cancer. Identifiers: Orphanet 145, MedGen C0677776, MeSH D061325, MONDO:0003582. Disease mechanism: loss of function.

Submission:

Labcorp Genetics (formerly Invitae), Labcorp
Classification: Pathogenic for Hereditary breast ovarian cancer syndrome. Last evaluated: 2023-12-12. Review status: criteria provided, single submitter. Criteria: Invitae Variant Classification Sherloc (09022015). Collection method: clinical testing. Allele origin: germline.
Comment: This sequence change creates a premature translational stop signal (p.Asn2119Leufs*9) in the BRCA2 gene. It is expected to result in an absent or disrupted protein product. Loss-of-function variants in BRCA2 are known to be pathogenic (PMID: 20104584). This variant is not present in population databases (gnomAD no frequency). This variant has not been reported in the literature in individuals affected with BRCA2-related conditions. ClinVar contains an entry for this variant (Variation ID: 1370317). For these reasons, this variant has been classified as Pathogenic.

Literature cited by the submitters: PubMed 20104584.

NM_000059.4(BRCA2):c.6355_6356del (p.Asn2119fs)

Gene: BRCA2 (BRCA2 DNA repair associated; plus strand). Cytogenetic location: 13q13.1.
Variant type: Deletion.
Coding change: c.6355_6356del on transcript NM_000059.4 (MANE Select); coding-DNA positions 6355 to 6356, 2 bases deleted (AA; older notation c.6355_6356delAA).
Protein change: p.Asn2119fs; shifts the reading frame from asparagine 2119.
Molecular consequence: frameshift variant.
Genome position (GRCh38, 1-based): chr13:32,340,710-32,340,711, AA deleted; deleting any 2 consecutive bases within chr13:32,340,709-32,340,711 gives the same sequence; the c. name uses the placement nearest the transcript's 3' end. VCF-style (leftmost placement, unchanged base first): chr13-32340708-TAA-T. GRCh37 (hg19) VCF-style: chr13-32914845-TAA-T.
Other names: short protein forms N2119fs.
Identifiers: ClinVar variation 1370317 (VCV001370317.6), dbSNP rs886040652, ClinGen allele CA2573149191.